The following is an entry in ClinVar:

NM_001122630.2(CDKN1C):c.-132G>A

Gene: CDKN1C (cyclin dependent kinase inhibitor 1C; minus strand). Cytogenetic location: 11p15.4.
Variant type: single nucleotide variant.
Coding change: c.-132G>A on transcript NM_001122630.2 (MANE Select); 132 bases upstream of the start codon, G replaced by A.
Molecular consequence: 5 prime UTR variant.
Genome position (GRCh38, 1-based): chr11:2,885,755, C>T on the plus strand (G>A on the coding strand, the complement: CDKN1C is on the minus strand). VCF-style: chr11-2885755-C-T. GRCh37 (hg19) VCF-style: chr11-2906985-C-T.
Other names: c.-132G>A (NM_001122631.2, NM_001362475.2); c.-266G>A (NM_001362474.2, LRG_533t1, NM_000076.2).
Identifiers: ClinVar variation 236947 (VCV000236947.39), dbSNP rs147317732, ClinGen allele CA10582911.

ClinVar aggregate classification (germline): Conflicting classifications of pathogenicity. Review status: criteria provided, conflicting classifications (1 of 4 stars). 5 submissions from 5 submitters: Uncertain significance (1); Benign (2); Likely benign (2). Last evaluated 2026-09-01.

Conditions:
Beckwith-Wiedemann syndrome (BWS). Also called: EMG SYNDROME; Exomphalos macroglossia gigantism syndrome. Identifiers: Orphanet 116, MedGen C0004903, MONDO:0007534, OMIM 130650.
IMAGe syndrome. Also called: Intrauterine growth retardation, metaphyseal dysplasia, adrenal hypoplasia congenita, and genital anomalies; Intrauterine Growth Restriction, Metaphyseal Dysplasia, Adrenal Hypoplasia Congenita, and Genital Anomalies. Identifiers: Orphanet 85173, MedGen C1846009, MONDO:0013873, OMIM 614732.

Allele frequency attached by ClinVar (database versions not stated): 1000 Genomes Project 0.00060; 1000 Genomes Project 30x 0.00109; TOPMed 0.00307; gnomAD 0.00329; gnomAD exomes 0.00357.
gnomAD v4.1: 1,989 of 575,108 alleles (0.35%); highest among the groups gnomAD compares: Non-Finnish European, 0.47%; 7 homozygotes.

Submissions (5):

CeGaT Center for Human Genetics Tuebingen
Classification: Likely benign. Last evaluated: 2026-09-01. Review status: criteria provided, single submitter. Criteria: CeGaT Center For Human Genetics Tuebingen Variant Classification Criteria Version 2. Collection method: clinical testing. Allele origin: germline. Affected: yes. Observed: 42 variant alleles.
Comment: CDKN1C: BS2

Labcorp Genetics (formerly Invitae), Labcorp
Classification: Benign for Beckwith-Wiedemann syndrome. Last evaluated: 2026-01-19. Review status: criteria provided, single submitter. Criteria: Invitae Variant Classification Sherloc (09022015). Collection method: clinical testing. Allele origin: germline.

Sema4
Classification: Benign for Beckwith-Wiedemann syndrome. Last evaluated: 2020-02-24. Review status: criteria provided, single submitter. Criteria: Sema4 Curation Guidelines. Collection method: curation. Allele origin: germline.

GeneDx
Classification: Likely benign. Last evaluated: 2019-03-15. Review status: criteria provided, single submitter. Criteria: GeneDx Variant Classification Process June 2021. Collection method: clinical testing. Allele origin: germline. Affected: yes.
Comment: This variant is associated with the following publications: (PMID: 15234339)

Fulgent Genetics
Classification: Uncertain significance for Beckwith-Wiedemann syndrome; IMAGe syndrome. Last evaluated: 2018-10-31. Review status: criteria provided, single submitter. Criteria: ACMG Guidelines, 2015. Collection method: clinical testing. Allele origin: unknown.